The following is an entry in ClinVar:

ClinVar aggregate classification (germline): Uncertain significance. Review status: criteria provided, multiple submitters, no conflicts (2 of 4 stars). 2 submissions from 2 submitters: Uncertain significance (2). Last evaluated 2024-03-07.

Conditions:
Familial thoracic aortic aneurysm and aortic dissection (TAAD). Also called: Thoracic aortic aneurysms and dissections. Identifiers: Orphanet 91387, MedGen C4707243, MONDO:0019625.
Loeys-Dietz syndrome 2 (LDS2). Also called: TGFBR2-Related Loeys-Dietz Syndrome; Marfan syndrome, type 2 (formerly); Marfan Syndrome type 2; Marfan like connective tissue disorder; MFS 2; AORTIC ANEURYSM, FAMILIAL THORACIC 3. Identifiers: Orphanet 284973, Orphanet 558, MedGen C2674574, MONDO:0012427, OMIM 610168.

Submissions (2):

Color Diagnostics, LLC DBA Color Health
Classification: Uncertain significance for Familial thoracic aortic aneurysm and aortic dissection. Last evaluated: 2024-03-07. Review status: criteria provided, single submitter. Criteria: ACMG Guidelines, 2015. Collection method: clinical testing. Allele origin: germline.
Comment: This missense variant replaces serine with threonine at codon 416 of the TGFBR2 protein. Computational prediction suggests that this variant may not impact protein structure and function (internally defined REVEL score threshold <= 0.5, PMID: 27666373). To our knowledge, functional studies have not been reported for this variant. This variant has not been reported in individuals affected with TGFBR2-related disorders in the literature. This variant has not been identified in the general population by the Genome Aggregation Database (gnomAD). The available evidence is insufficient to determine the role of this variant in disease conclusively. Therefore, this variant is classified as a Variant of Uncertain Significance.

All of Us Research Program, National Institutes of Health
Classification: Uncertain significance for Loeys-Dietz syndrome 2. Last evaluated: 2023-06-08. Review status: criteria provided, single submitter. Criteria: ACMG Guidelines, 2015. Collection method: clinical testing. Allele origin: germline. Inheritance: Autosomal dominant inheritance. Observed: 1 variant allele, 1 heterozygote.
Comment: This missense variant replaces serine with threonine at codon 416 of the TGFBR2 protein. Computational prediction suggests that this variant may not impact protein structure and function (internally defined REVEL score threshold <= 0.5, PMID: 27666373). To our knowledge, functional studies have not been reported for this variant. This variant has not been reported in individuals affected with TGFBR2-related disorders in the literature. This variant has not been identified in the general population by the Genome Aggregation Database (gnomAD). The available evidence is insufficient to determine the role of this variant in disease conclusively. Therefore, this variant is classified as a Variant of Uncertain Significance.

This study involves interpretation of variants in research participants for the purpose of population health screening. Participant phenotype was not available at the time of variant classification. Additional details can be found in publication PMID: 35346344, PMCID: PMC8962531

NM_003242.6(TGFBR2):c.1247G>C (p.Ser416Thr)

Gene: TGFBR2 (transforming growth factor beta receptor 2; plus strand). Cytogenetic location: 3p24.1.
Variant type: single nucleotide variant.
Coding change: c.1247G>C on transcript NM_003242.6 (MANE Select); coding-DNA position 1247, G replaced by C.
Protein change: p.Ser416Thr; replaces serine 416 with threonine.
Molecular consequence: missense variant. On other transcripts: intron variant (1).
Genome position (GRCh38, 1-based): chr3:30,672,430, G>C. VCF-style: chr3-30672430-G-C. GRCh37 (hg19) VCF-style: chr3-30713922-G-C.
Other names: c.1322G>C, p.Ser441Thr (NM_001024847.3); c.1430G>C, p.Ser477Thr (NM_001407126.1); c.1355G>C, p.Ser452Thr (NM_001407127.1); c.1274G>C, p.Ser425Thr (NM_001407128.1); c.1250G>C, p.Ser417Thr (NM_001407129.1); c.1247G>C, p.Ser416Thr (NM_001407130.1); c.1142G>C, p.Ser381Thr (NM_001407132.1, NM_001407133.1, NM_001407134.1 and 2 more transcripts); c.962G>C, p.Ser321Thr (NM_001407137.1); and 2 more; short protein forms S425T, S441T, S452T, S321T, S416T, S477T, S381T, S296T.
Identifiers: ClinVar variation 2774581 (VCV002774581.3), dbSNP rs2125437132, ClinGen allele CA351808840.
Genomic context (GRCh38, chr3:30,672,430, plus strand): 5'-GTGACTTTGGGCTTTCCCTGCGTCTGGACCCTACTCTGTCTGTGGATGACCTGGCTAACA[G>C]TGGGCAGGTAAGTTAGAGCTAGTGCTAGATCCCCTTTACCTTGAGCCTGGCCTCACCCTA-3'
Protein context (NP_003233.4, residues 406-426): PTLSVDDLAN[Ser416Thr]GQVGTARYMA